The following is an entry in ClinVar:

ClinVar aggregate classification (germline): Uncertain significance (1 of 4 stars; one submission).

Conditions:
Epidermodysplasia verruciformis. Identifiers: Orphanet 302, MedGen C0014522, MONDO:0009176.

Allele frequency attached by ClinVar (database versions not stated): TOPMed below 0.00001.

Submission:

Labcorp Genetics (formerly Invitae), Labcorp
Classification: Uncertain significance for Epidermodysplasia verruciformis. Last evaluated: 2021-12-30. Review status: criteria provided, single submitter. Criteria: Invitae Variant Classification Sherloc (09022015). Collection method: clinical testing. Allele origin: germline.
Comment: This variant has not been reported in the literature in individuals affected with TMC6-related conditions. Experimental studies and prediction algorithms are not available or were not evaluated, and the effect of this variant on mRNA splicing is currently unknown. In summary, the available evidence is currently insufficient to determine the role of this variant in disease. Therefore, it has been classified as a Variant of Uncertain Significance. This variant is not present in population databases (gnomAD no frequency). This sequence change affects codon 19 of the TMC6 mRNA. It is a 'silent' change, meaning that it does not change the encoded amino acid sequence of the TMC6 protein. It affects a nucleotide within the consensus splice site.

NM_001127198.5(TMC6):c.57C>T (p.Gly19=)

Gene: TMC6 (transmembrane channel like 6; minus strand). Cytogenetic location: 17q25.3.
Variant type: single nucleotide variant.
Coding change: c.57C>T on transcript NM_001127198.5 (MANE Select); coding-DNA position 57, C replaced by T.
Protein change: p.Gly19=; no amino-acid change (glycine 19 retained).
Molecular consequence: synonymous variant. On other transcripts: non-coding transcript variant (4).
Genome position (GRCh38, 1-based): chr17:78,126,648, G>A on the plus strand (C>T on the coding strand, the complement: TMC6 is on the minus strand). VCF-style: chr17-78126648-G-A. GRCh37 (hg19) VCF-style: chr17-76122729-G-A.
Other names: c.57C>T, p.Gly19= (NM_001321185.1, NM_001374593.1, NM_001374594.1 and 4 more transcripts).
Identifiers: ClinVar variation 1897073 (VCV001897073.4), dbSNP rs2074732713, ClinGen allele CA502116757.